The following is an entry in ClinVar:

ClinVar aggregate classification (germline): Uncertain significance (1 of 4 stars; one submission).

Conditions:
Inborn genetic diseases. Identifiers: MedGen C0950123, MeSH D030342.

Submission:

Ambry Genetics
Classification: Uncertain significance for Inborn genetic diseases. Last evaluated: 2026-07-18. Review status: criteria provided, single submitter. Criteria: Ambry Variant Classification Scheme 2023. Collection method: clinical testing. Allele origin: germline.
Comment: The p.N265H variant (also known as c.793A>C), located in coding exon 1 of the SAMD9L gene, results from an A to C substitution at nucleotide position 793. The asparagine at codon 265 is replaced by histidine, an amino acid with similar properties. This amino acid position is conserved. In addition, this alteration is predicted to be tolerated by in silico analysis. Based on the available evidence, the clinical significance of this variant remains unclear.

NM_152703.5(SAMD9L):c.793A>C (p.Asn265His)

Gene: SAMD9L (sterile alpha motif domain containing 9 like; minus strand). Cytogenetic location: 7q21.2.
Variant type: single nucleotide variant.
Coding change: c.793A>C on transcript NM_152703.5 (MANE Select); coding-DNA position 793, A replaced by C.
Protein change: p.Asn265His; replaces asparagine 265 with histidine.
Molecular consequence: missense variant.
Genome position (GRCh38, 1-based): chr7:93,135,179, T>G on the plus strand (A>C on the coding strand, the complement: SAMD9L is on the minus strand). VCF-style: chr7-93135179-T-G. GRCh37 (hg19) VCF-style: chr7-92764492-T-G.
Other names: c.793A>C, p.Asn265His (NM_001303496.3, NM_001303497.3, NM_001303498.3 and 5 more transcripts); short protein forms N265H.
Identifiers: ClinVar variation 5028898 (VCV005028898.1).